The following is an entry in ClinVar:

ClinVar aggregate classification (germline): Conflicting classifications of pathogenicity. Review status: criteria provided, conflicting classifications (1 of 4 stars). 2 submissions from 2 submitters: Uncertain significance (1); Likely benign (1). Last evaluated 2024-10-20.

Conditions:
TOPBP1-related disorder. Also called: TOPBP1-related condition.

Allele frequency attached by ClinVar (database versions not stated): gnomAD 0.00031; TOPMed 0.00033; ExAC 0.00035; ESP Exome Variant Server 0.00051.
gnomAD v4.1: 263 of 1,569,634 alleles (0.017%); highest among the groups gnomAD compares: Middle Eastern, 0.1%; no homozygotes.

Submissions (2):

PreventionGenetics, part of Exact Sciences
Classification: Likely benign for TOPBP1-related condition. Last evaluated: 2024-10-20. Review status: criteria provided, single submitter. Criteria: ACMG Guidelines, 2015. Collection method: clinical testing. Allele origin: germline.
Comment: This variant is classified as likely benign based on ACMG/AMP sequence variant interpretation guidelines (Richards et al. 2015 PMID: 25741868, with internal and published modifications).

Ambry Genetics
Classification: Uncertain significance. Last evaluated: 2024-08-14. Review status: criteria provided, single submitter. Criteria: Ambry Variant Classification Scheme 2023. Collection method: clinical testing. Allele origin: germline.

NM_007027.4(TOPBP1):c.1090A>T (p.Ile364Leu)

Gene: TOPBP1 (DNA topoisomerase II binding protein 1; minus strand). Cytogenetic location: 3q22.1.
Variant type: single nucleotide variant.
Coding change: c.1090A>T on transcript NM_007027.4 (MANE Select); coding-DNA position 1090, A replaced by T.
Protein change: p.Ile364Leu; replaces isoleucine 364 with leucine.
Molecular consequence: missense variant.
Genome position (GRCh38, 1-based): chr3:133,649,943, T>A on the plus strand (A>T on the coding strand, the complement: TOPBP1 is on the minus strand). VCF-style: chr3-133649943-T-A. GRCh37 (hg19) VCF-style: chr3-133368787-T-A.
Other names: c.1075A>T, p.Ile359Leu (NM_001363889.2); short protein forms I364L, I359L.
Identifiers: ClinVar variation 3181254 (VCV003181254.3), dbSNP rs200397840, ClinGen allele CA2624538.